The following is an entry in ClinVar:

NC_000023.11:g.119831544C>A

Gene: UPF3B (UPF3B regulator of nonsense mediated mRNA decay; minus strand). Cytogenetic location: Xq24.
Variant type: single nucleotide variant.
Genome position: GRCh38 VCF-style: chrX-119831544-C-A. GRCh37 (hg19) VCF-style: chrX-118965507-C-A.
Identifiers: ClinVar variation 2661303 (VCV002661303.24), dbSNP rs756863177, ClinGen allele CA334119917.

ClinVar aggregate classification (germline): Likely benign (1 of 4 stars; one submission).

Allele frequency attached by ClinVar (database versions not stated): TOPMed 0.00107; gnomAD 0.00115; gnomAD exomes 0.00196.
gnomAD v4.1: 326 of 212,204 alleles (0.15%); highest among the groups gnomAD compares: Non-Finnish European, 0.21%; no homozygotes.

Submission:

CeGaT Center for Human Genetics Tuebingen
Classification: Likely benign. Last evaluated: 2023-05-01. Review status: criteria provided, single submitter. Criteria: CeGaT Center For Human Genetics Tuebingen Variant Classification Criteria Version 2. Collection method: clinical testing. Allele origin: germline. Affected: yes. Observed: 1 variant allele.
Comment: UPF3B: BS2